The following is an entry in ClinVar:

NM_001330288.2(SMARCC2):c.1311-3C>G

Gene: SMARCC2 (SWI/SNF related BAF chromatin remodeling complex subunit C2; minus strand). Cytogenetic location: 12q13.2.
Variant type: single nucleotide variant.
Coding change: c.1311-3C>G on transcript NM_001330288.2 (MANE Select); 3 bases into the intron before coding-DNA position 1311, C replaced by G.
Molecular consequence: intron variant.
Genome position (GRCh38, 1-based): chr12:56,178,096, G>C on the plus strand (C>G on the coding strand, the complement: SMARCC2 is on the minus strand). VCF-style: chr12-56178096-G-C. GRCh37 (hg19) VCF-style: chr12-56571880-G-C.
Other names: IVS14, C-G, -3; c.1311-3C>G (NM_003075.5, NM_139067.4, NM_001130420.3).
Identifiers: ClinVar variation 623248 (VCV000623248.5), dbSNP rs1206884190, ClinGen allele CA913190870.

ClinVar aggregate classification (germline): Pathogenic/Likely pathogenic. Review status: criteria provided, multiple submitters, no conflicts (2 of 4 stars). 4 submissions from 4 submitters: Pathogenic (2); Likely pathogenic (1). 1 of the submissions does not count toward it. Last evaluated 2025-08-22.

Conditions:
Coffin-Siris syndrome 8. Identifiers: MedGen C5193054, MONDO:0032702, OMIM 618362.

Submissions (4):

GeneDx
Classification: Pathogenic. Last evaluated: 2025-08-22. Review status: criteria provided, single submitter. Criteria: GeneDx Variant Classification Process June 2021. Collection method: clinical testing. Allele origin: germline. Affected: yes.
Comment: Not observed at significant frequency in large population cohorts (gnomAD); In silico analysis supports a deleterious effect on splicing; This variant is associated with the following publications: (PMID: 27620904, 30580808)

3billion
Classification: Likely pathogenic for Coffin-Siris syndrome 8. Last evaluated: 2025-07-08. Review status: criteria provided, single submitter. Criteria: ACMG Guidelines, 2015. Collection method: clinical testing. Allele origin: germline. Affected: yes.
Comment: The variant is not observed in the gnomAD v4.1.0 dataset. Predicted Consequence/Location: Intron variant In silico tools predict the variant to alter splicing and produce an abnormal transcript [SpliceAI: 0.91 (>=0.2, moderate evidence for spliceogenicity)]. The variant has been observed in at least two similarly affected unrelated individuals (PMID: 27620904, 30580808). The variant has been reported to be associated with SMARCC2-related disorder (ClinVar ID: VCV000623248). Therefore, this variant is classified as Likely pathogenic according to the recommendation of ACMG/AMP guideline.

Institute of Medical Genetics and Applied Genomics, University Hospital Tübingen
Classification: Pathogenic. Last evaluated: 2020-10-23. Review status: criteria provided, single submitter. Criteria: ACMG Guidelines, 2015. Collection method: clinical testing. Allele origin: germline. Inheritance: Unknown mechanism. Affected: yes.

OMIM
Classification: Pathogenic for COFFIN-SIRIS SYNDROME 8. Last evaluated: 2019-03-19. Review status: no assertion criteria provided. Collection method: literature only. Allele origin: germline. Not counted in ClinVar's aggregate classification.

Literature cited by the submitters: PubMed 30580808 (cited by 3billion and OMIM); PubMed 27620904 (cited by 3billion and OMIM).